The following is an entry in ClinVar:

ClinVar aggregate classification (germline): Uncertain significance. Review status: criteria provided, multiple submitters, no conflicts (2 of 4 stars). 2 submissions from 2 submitters: Uncertain significance (2). Last evaluated 2026-03-02.

Conditions:
Inborn genetic diseases. Identifiers: MedGen C0950123, MeSH D030342.

Allele frequency attached by ClinVar (database versions not stated): ExAC 0.00001; gnomAD exomes 0.00001.
gnomAD v4.1: 15 of 1,614,020 alleles (0.00093%); highest among the groups gnomAD compares: Middle Eastern, 0.049%; no homozygotes.

Submissions (2):

Ambry Genetics
Classification: Uncertain significance for Inborn genetic diseases. Last evaluated: 2026-03-02. Review status: criteria provided, single submitter. Criteria: Ambry Variant Classification Scheme 2023. Collection method: clinical testing. Allele origin: germline.
Comment: The c.2663G>A (p.R888Q) alteration is located in exon 34 (coding exon 34) of the COL11A1 gene. This alteration results from a G to A substitution at nucleotide position 2663, causing the arginine (R) at amino acid position 888 to be replaced by a glutamine (Q). Based on data from gnomAD, the A allele has an overall frequency of <0.001% (1/251298) total alleles studied. The highest observed frequency was 0.003% (1/34566) of Latino alleles. Based on insufficient or conflicting evidence, the clinical significance of this alteration remains unclear.

Labcorp Genetics (formerly Invitae), Labcorp
Classification: Uncertain significance. Last evaluated: 2023-10-11. Review status: criteria provided, single submitter. Criteria: Invitae Variant Classification Sherloc (09022015). Collection method: clinical testing. Allele origin: germline.
Comment: This sequence change replaces arginine, which is basic and polar, with glutamine, which is neutral and polar, at codon 888 of the COL11A1 protein (p.Arg888Gln). This variant is present in population databases (rs779814887, gnomAD 0.003%). This variant has not been reported in the literature in individuals affected with COL11A1-related conditions. Advanced modeling of protein sequence and biophysical properties (such as structural, functional, and spatial information, amino acid conservation, physicochemical variation, residue mobility, and thermodynamic stability) performed at Invitae indicates that this missense variant is not expected to disrupt COL11A1 protein function. In summary, the available evidence is currently insufficient to determine the role of this variant in disease. Therefore, it has been classified as a Variant of Uncertain Significance.

NM_001854.4(COL11A1):c.2663G>A (p.Arg888Gln)

Gene: COL11A1 (collagen type XI alpha 1 chain; minus strand). Cytogenetic location: 1p21.1.
Variant type: single nucleotide variant.
Coding change: c.2663G>A on transcript NM_001854.4 (MANE Select); coding-DNA position 2663, G replaced by A.
Protein change: p.Arg888Gln; replaces arginine 888 with glutamine.
Molecular consequence: missense variant. On other transcripts: non-coding transcript variant (1).
Genome position (GRCh38, 1-based): chr1:102,978,906, C>T on the plus strand (G>A on the coding strand, the complement: COL11A1 is on the minus strand). VCF-style: chr1-102978906-C-T. GRCh37 (hg19) VCF-style: chr1-103444462-C-T.
Other names: c.2315G>A, p.Arg772Gln (NM_001168249.1, NM_080630.4); c.2546G>A, p.Arg849Gln (NM_001190709.2); c.2699G>A, p.Arg900Gln (NM_080629.3); c.2663G>A (NM_001854.3); short protein forms R888Q, R900Q, R849Q, R772Q.
Identifiers: ClinVar variation 2900087 (VCV002900087.4), dbSNP rs779814887, ClinGen allele CA974330.